The following is an entry in ClinVar:

NM_001184900.3(CARD8):c.340del (p.Asp114fs)

Gene: CARD8 (caspase recruitment domain family member 8; minus strand). Cytogenetic location: 19q13.33.
Variant type: Deletion.
Coding change: c.340del on transcript NM_001184900.3 (MANE Select); coding-DNA position 340, one base deleted (G; older notation c.340delG).
Protein change: p.Asp114fs; shifts the reading frame from aspartic acid 114.
Molecular consequence: frameshift variant. On other transcripts: 5 prime UTR variant (1), non-coding transcript variant (4).
Genome position (GRCh38, 1-based): chr19:48,234,413, C deleted on the plus strand (G on the coding strand, the reverse complement: CARD8 is on the minus strand); the first of 7 consecutive C bases (chr19:48,234,413-48,234,419); deleting any one gives the same sequence. VCF-style (leftmost placement, unchanged base first): chr19-48234412-TC-T. GRCh37 (hg19) VCF-style: chr19-48737669-TC-T.
Other names: c.190del, p.Asp64fs (NM_001351783.2, NM_001351788.2, NM_001351789.2 and 2 more transcripts); c.66del, p.Thr23fs (NM_001351784.2, NM_001351787.2, NM_001351791.2 and 2 more transcripts); c.-149del (NM_001351786.2); c.138del, p.Thr47fs (NM_001351790.2); c.340del, p.Asp114fs (NM_001184902.2, NM_001184903.1, NM_001351782.2); short protein forms T47fs, D64fs, T23fs, D114fs.
Identifiers: ClinVar variation 4762594 (VCV004762594.1).

ClinVar aggregate classification (germline): Uncertain significance (1 of 4 stars; one submission).

Submission:

Labcorp Genetics (formerly Invitae), Labcorp
Classification: Uncertain significance. Last evaluated: 2025-09-09. Review status: criteria provided, single submitter. Criteria: Invitae Variant Classification Sherloc (09022015). Collection method: clinical testing. Allele origin: germline.
Comment: This sequence change creates a premature translational stop signal (p.Asp64Thrfs*27) in the CARD8 gene. It is expected to result in an absent or disrupted protein product. However, the current clinical and genetic evidence is not sufficient to establish whether loss-of-function variants in CARD8 cause disease. The frequency data for this variant in the population databases is considered unreliable, as metrics indicate poor data quality at this position in the gnomAD database. This variant has not been reported in the literature in individuals affected with CARD8-related conditions. Experimental studies and prediction algorithms are not available or were not evaluated, and the functional significance of this variant is currently unknown. In summary, the available evidence is currently insufficient to determine the role of this variant in disease. Therefore, it has been classified as a Variant of Uncertain Significance.